The following is an entry in ClinVar:

NM_001130987.2(DYSF):c.280_300dup (p.Ala94_Ala100dup)

Gene: DYSF (dysferlin; plus strand). Cytogenetic location: 2p13.2.
Variant type: Duplication.
Coding change: c.280_300dup on transcript NM_001130987.2 (MANE Select); coding-DNA positions 280 to 300, 21 bases duplicated (GCCACCCCTAGTCTGTCCGCC).
Protein change: p.Ala94_Ala100dup.
Molecular consequence: inframe insertion.
Genome position (GRCh38, 1-based): chr2:71,503,254-71,503,274, GCCACCCCTAGTCTGTCCGCC duplicated; duplicating any 21 consecutive bases within chr2:71,503,253-71,503,274 gives the same sequence; the c. name uses the placement nearest the transcript's 3' end. VCF-style (leftmost placement, unchanged base first): chr2-71503252-T-TCGCCACCCCTAGTCTGTCCGC. GRCh37 (hg19) VCF-style: chr2-71730382-T-TCGCCACCCCTAGTCTGTCCGC.
Other names: c.280_300dup, p.Ala94_Ala100dup (NM_001130455.2, NM_001130982.2, NM_001130983.2 and 3 more transcripts); c.277_297dup, p.Ala93_Ala99dup (NM_001130976.2, NM_001130977.2, NM_001130978.2 and 4 more transcripts).
Identifiers: ClinVar variation 850545 (VCV000850545.10), dbSNP rs1172863089, ClinGen allele CA533251945.

ClinVar aggregate classification (germline): Uncertain significance. Review status: criteria provided, multiple submitters, no conflicts (2 of 4 stars). 3 submissions from 3 submitters: Uncertain significance (2). 1 of the submissions does not count toward it. Last evaluated 2022-02-03.

Conditions:
Neuromuscular disease caused by qualitative or quantitative defects of dysferlin. Also called: Qualitative or quantitative defects of dysferlin; Dysferlinopathy. Identifiers: Orphanet 207073, MedGen C2931687, MONDO:0016145.
Autosomal recessive limb-girdle muscular dystrophy type 2B (LGMDR2). Also called: Limb-Girdle Muscular Dystrophy Type 2B (LGMD2B); MUSCULAR DYSTROPHY, LIMB-GIRDLE, TYPE 3; MUSCULAR DYSTROPHY, LIMB-GIRDLE, AUTOSOMAL RECESSIVE 2; Limb-girdle muscular dystrophy, type 2B. Identifiers: Orphanet 268, MedGen C1850889, MONDO:0009676, OMIM 253601.

Submissions (3):

Labcorp Genetics (formerly Invitae), Labcorp
Classification: Uncertain significance for Neuromuscular disease caused by qualitative or quantitative defects of dysferlin. Last evaluated: 2022-02-03. Review status: criteria provided, single submitter. Criteria: Invitae Variant Classification Sherloc (09022015). Collection method: clinical testing. Allele origin: germline.
Comment: This variant, c.277_297dup, results in the insertion of 7 amino acid(s) of the DYSF protein (p.Ala93_Ala99dup), but otherwise preserves the integrity of the reading frame. This variant is present in population databases (no rsID available, gnomAD 0.002%). This variant has not been reported in the literature in individuals affected with DYSF-related conditions. ClinVar contains an entry for this variant (Variation ID: 850545). Algorithms developed to predict the effect of sequence changes on RNA splicing suggest that this variant may create or strengthen a splice site. In summary, the available evidence is currently insufficient to determine the role of this variant in disease. Therefore, it has been classified as a Variant of Uncertain Significance.

Revvity Omics, Revvity
Classification: Uncertain significance. Last evaluated: 2020-08-03. Review status: criteria provided, single submitter. Criteria: ACMG Guidelines, 2015. Collection method: clinical testing. Allele origin: germline.

Natera, Inc.
Classification: Uncertain significance for Limb-girdle muscular dystrophy type 2B. Last evaluated: 2020-07-29. Review status: no assertion criteria provided. Collection method: clinical testing. Allele origin: germline. Not counted in ClinVar's aggregate classification.